The following is an entry in ClinVar:

NM_001382289.1(FSHB):c.333T>C (p.Asp111=)

Genes: ARL14EP-DT (ARL14EP divergent transcript; minus strand), FSHB (follicle stimulating hormone subunit beta; plus strand). Cytogenetic location: 11p14.1.
Variant type: single nucleotide variant.
Coding change: c.333T>C on transcript NM_001382289.1 (MANE Select); coding-DNA position 333, T replaced by C.
Protein change: p.Asp111=; no amino-acid change (aspartic acid 111 retained).
Molecular consequence: synonymous variant.
Genome position (GRCh38, 1-based): chr11:30,233,743, T>C. VCF-style: chr11-30233743-T-C. GRCh37 (hg19) VCF-style: chr11-30255290-T-C.
Other names: c.333T>C, p.Asp111= (NM_000510.4, NM_001018080.3).
Identifiers: ClinVar variation 3051652 (VCV003051652.2), dbSNP rs779337728, ClinGen allele CA5930803.

ClinVar aggregate classification (germline): Likely benign (0 of 4 stars; one submission).

Conditions:
FSHB-related disorder. Also called: FSHB-related condition.

Allele frequency attached by ClinVar (database versions not stated): gnomAD 0.00001; gnomAD exomes 0.00001; ExAC 0.00002.

Submission:

PreventionGenetics, part of Exact Sciences
Classification: Likely benign for FSHB-related condition. Last evaluated: 2020-02-24. Review status: no assertion criteria provided. Collection method: clinical testing. Allele origin: germline.
Comment: This variant is classified as likely benign based on ACMG/AMP sequence variant interpretation guidelines (Richards et al. 2015 PMID: 25741868, with internal and published modifications).